The following is an entry in ClinVar:

NM_000492.4(CFTR):c.2589_2599del (p.Ile864fs)

Gene: CFTR (CF transmembrane conductance regulator; plus strand). Cytogenetic location: 7q31.2.
Variant type: Deletion.
Coding change: c.2589_2599del on transcript NM_000492.4 (MANE Select); coding-DNA positions 2589 to 2599, 11 bases deleted (AATTTGGTGCT).
Protein change: p.Ile864fs; shifts the reading frame from isoleucine 864.
Molecular consequence: frameshift variant.
Genome position (GRCh38, 1-based): chr7:117,595,028-117,595,038, AATTTGGTGCT deleted; deleting any 11 consecutive bases within chr7:117,595,023-117,595,038 gives the same sequence; the c. name uses the placement nearest the transcript's 3' end. VCF-style (leftmost placement, unchanged base first): chr7-117595022-TGTGCTAATTTG-T. GRCh37 (hg19) VCF-style: chr7-117235076-TGTGCTAATTTG-T.
Other names: 2721del11; c.2589_2599delAATTTGGTGCT (NM_000492.3); c.2589_2599del11 (NM_000492.3); short protein forms I864fs.
Identifiers: ClinVar variation 53516 (VCV000053516.14), dbSNP rs397508400, ClinGen allele CA326852.

ClinVar aggregate classification (germline): Pathogenic. Review status: reviewed by expert panel (3 of 4 stars). 8 submissions from 8 submitters: Pathogenic (1). 7 of the submissions do not count toward it. Last evaluated 2017-03-17.

Conditions:
CFTR-related disorder (CFTR-RD). Also called: CFTR-related condition; CFTR-related disorders. Identifiers: MedGen C5924204, MONDO:7770004.
Bronchiectasis with or without elevated sweat chloride 1 (BESC1). Also called: Cystic Fibrosis-Like Syndrome. Identifiers: Orphanet 60033, MedGen C2749757, MONDO:0008887, OMIM 211400.
Cystic fibrosis (CF). Also called: MUCOVISCIDOSIS. Identifiers: Orphanet 586, MedGen C0010674, MONDO:0009061, OMIM 219700. Disease mechanism: loss of function.

Submissions (8):

CFTR2
Classification: Pathogenic for Cystic fibrosis. Last evaluated: 2017-03-17. Review status: reviewed by expert panel. Criteria: Sosnay PR et al. (Nat Genet 2013). Collection method: research. Allele origin: germline. Affected: yes. Study: CFTR2.

Natera, Inc.
Classification: Pathogenic for CFTR-related disorders. Last evaluated: 2025-10-30. Review status: criteria provided, single submitter. Criteria: Natera Variant Classification Schema (03/2026). Collection method: clinical testing. Allele origin: germline. Not counted in ClinVar's aggregate classification.
Comment: The c.2589_2599delAATTTGGTGCT variant in CFTR is a frameshift variant predicted to shift the reading frame beginning at codon 864 and leads to a stop codon 28 codons downstream. This variant is expected to result in nonsense mediated decay, truncation, or a dysfunctional protein product. This variant is rare in the general population with a frequency below the threshold expected for the associated phenotype(s). This variant has been observed in one or more individuals affected with the associated recessive disease, as either homozygous or compound heterozygous with a second variant (PMID: 30548586). Given the available evidence, this variant is classified as Pathogenic.

Institute of Human Genetics, University of Leipzig Medical Center
Classification: Pathogenic for Cystic fibrosis. Last evaluated: 2025-08-06. Review status: criteria provided, single submitter. Criteria: ACMG Guidelines, 2015. Collection method: clinical testing. Allele origin: unknown. Inheritance: Autosomal recessive inheritance. Affected: yes. Not counted in ClinVar's aggregate classification.
Comment: Criteria applied: PVS1,PM3_STR,PM2_SUP,PP4

Labcorp Genetics (formerly Invitae), Labcorp
Classification: Pathogenic for Cystic fibrosis. Last evaluated: 2024-10-07. Review status: criteria provided, single submitter. Criteria: Invitae Variant Classification Sherloc (09022015). Collection method: clinical testing. Allele origin: germline. Not counted in ClinVar's aggregate classification.
Comment: This sequence change creates a premature translational stop signal (p.Ile864Serfs*28) in the CFTR gene. It is expected to result in an absent or disrupted protein product. Loss-of-function variants in CFTR are known to be pathogenic (PMID: 1695717, 7691345, 9725922). This variant is not present in population databases (gnomAD no frequency). This premature translational stop signal has been observed in individual(s) with cystic fibrosis (PMID: 7508414). This variant is also known as 2721del11. ClinVar contains an entry for this variant (Variation ID: 53516). For these reasons, this variant has been classified as Pathogenic.

Baylor Genetics
Classification: Pathogenic for Bronchiectasis with or without elevated sweat chloride 1. Last evaluated: 2023-10-10. Review status: criteria provided, single submitter. Criteria: ACMG Guidelines, 2015. Collection method: clinical testing. Allele origin: unknown. Not counted in ClinVar's aggregate classification.

Women's Health and Genetics/Laboratory Corporation of America, LabCorp
Classification: Pathogenic for Cystic fibrosis. Last evaluated: 2023-02-07. Review status: criteria provided, single submitter. Criteria: LabCorp Variant Classification Summary - May 2015. Collection method: clinical testing. Allele origin: germline. Not counted in ClinVar's aggregate classification.
Comment: Variant summary: CFTR c.2589_2599del11 (p.Ile864SerfsX28), also referred to as 2721del11, results in a premature termination codon, predicted to cause a truncation of the encoded protein or absence of the protein due to nonsense mediated decay, which are commonly known mechanisms for disease. Truncations downstream of this position have been classified as pathogenic by our laboratory. The variant was absent in 251320 control chromosomes (gnomAD). c.2589_2599del11 has been reported in the literature in the compound heterozygous state in multiple individuals affected with Cystic Fibrosis (e.g. Cuppens_1993, Sobczynska-Tomaszewska_2013, Petrova_2019, Nowak_2019). These data indicate that the variant is very likely to be associated with disease. Five submitters have provided clinical-significance assessments for this variant to ClinVar after 2014 and all classified the variant as pathogenic. Based on the evidence outlined above, the variant was classified as pathogenic.

MGZ Medical Genetics Center
Classification: Pathogenic for Cystic fibrosis. Last evaluated: 2022-01-21. Review status: criteria provided, single submitter. Criteria: ACMG Guidelines, 2015. Collection method: clinical testing. Allele origin: germline. Affected: yes. Observed: 1 variant allele. Not counted in ClinVar's aggregate classification.
Comment: ACMG criteria applied: PVS1, PS4_MOD, PM3, PM2_SUP

CFTR-France
Classification: Pathogenic for cystic fibrosis. Last evaluated: 2018-03-26. Review status: criteria provided, single submitter. Criteria: Claustres M et al. (Hum Mutat 2017). Collection method: curation. Allele origin: germline. Affected: yes. Not counted in ClinVar's aggregate classification.

Literature cited by the submitters: PubMed 30548586 (cited by Natera, Inc. and Women's Health and Genetics/Laboratory Corporation of America, LabCorp); PubMed 1695717 (cited by Labcorp Genetics (formerly Invitae), Labcorp); PubMed 7691345 (cited by Labcorp Genetics (formerly Invitae), Labcorp); PubMed 9725922 (cited by Labcorp Genetics (formerly Invitae), Labcorp); PubMed 7508414 (cited by Labcorp Genetics (formerly Invitae), Labcorp and Women's Health and Genetics/Laboratory Corporation of America, LabCorp); PubMed 22892530 (cited by Women's Health and Genetics/Laboratory Corporation of America, LabCorp); PubMed 30888834 (cited by Women's Health and Genetics/Laboratory Corporation of America, LabCorp); PubMed 30979683 (cited by Women's Health and Genetics/Laboratory Corporation of America, LabCorp).